The following is an entry in ClinVar:

ClinVar aggregate classification (germline): Conflicting classifications of pathogenicity. Review status: criteria provided, conflicting classifications (1 of 4 stars). 2 submissions from 2 submitters: Uncertain significance (1); Likely benign (1). Last evaluated 2026-01-22.

Allele frequency attached by ClinVar (database versions not stated): gnomAD exomes 0.00002; ExAC 0.00005; gnomAD 0.00005; TOPMed 0.00014.
gnomAD v4.1: 45 of 1,610,648 alleles (0.0028%); highest among the groups gnomAD compares: Admixed American, 0.037%; no homozygotes.

Submissions (2):

Women's Health and Genetics/Laboratory Corporation of America, LabCorp
Classification: Likely benign. Last evaluated: 2026-01-22. Review status: criteria provided, single submitter. Criteria: LabCorp Variant Classification Summary - May 2015. Collection method: clinical testing. Allele origin: germline.

Labcorp Genetics (formerly Invitae), Labcorp
Classification: Uncertain significance. Last evaluated: 2025-06-16. Review status: criteria provided, single submitter. Criteria: Invitae Variant Classification Sherloc (09022015). Collection method: clinical testing. Allele origin: germline.
Comment: This sequence change replaces tryptophan, which is neutral and slightly polar, with cysteine, which is neutral and slightly polar, at codon 1025 of the ALPK1 protein (p.Trp1025Cys). This variant is present in population databases (rs747050222, gnomAD 0.04%), and has an allele count higher than expected for a pathogenic variant. This variant has not been reported in the literature in individuals affected with ALPK1-related conditions. ClinVar contains an entry for this variant (Variation ID: 2082666). Invitae Evidence Modeling of protein sequence and biophysical properties (such as structural, functional, and spatial information, amino acid conservation, physicochemical variation, residue mobility, and thermodynamic stability) indicates that this missense variant is expected to disrupt ALPK1 protein function with a positive predictive value of 80%. In summary, the available evidence is currently insufficient to determine the role of this variant in disease. Therefore, it has been classified as a Variant of Uncertain Significance.

NM_025144.4(ALPK1):c.3075G>C (p.Trp1025Cys)

Gene: ALPK1 (alpha kinase 1; plus strand). Cytogenetic location: 4q25.
Variant type: single nucleotide variant.
Coding change: c.3075G>C on transcript NM_025144.4 (MANE Select); coding-DNA position 3075, G replaced by C.
Protein change: p.Trp1025Cys; replaces tryptophan 1025 with cysteine.
Molecular consequence: missense variant.
Genome position (GRCh38, 1-based): chr4:112,435,188, G>C. VCF-style: chr4-112435188-G-C. GRCh37 (hg19) VCF-style: chr4-113356344-G-C.
Other names: c.3075G>C, p.Trp1025Cys (NM_001102406.2); c.2841G>C, p.Trp947Cys (NM_001253884.2); short protein forms W947C, W1025C.
Identifiers: ClinVar variation 2082666 (VCV002082666.5), dbSNP rs747050222, ClinGen allele CA3047080.
Genomic context (GRCh38, chr4:112,435,188, plus strand): 5'-TTCATCTTTTTTTTTCCCAGGTGCTCTTTTGTTAAAATATTCAAAAAAATCTGAACTGTG[G>C]ACGGCCCAGGAAACTATTGTCTATTTGGGGGACTACTTGACTGTGAAGAAAAAAGGCAGA-3'
Protein context (NP_079420.3, residues 1015-1035): LLKYSKKSEL[Trp1025Cys]TAQETIVYLG